The following is an entry in ClinVar:

NM_002764.4(PRPS1):c.830A>T (p.Gln277Leu)

Gene: PRPS1 (phosphoribosyl pyrophosphate synthetase 1; plus strand). Cytogenetic location: Xq22.3.
Variant type: single nucleotide variant.
Coding change: c.830A>T on transcript NM_002764.4 (MANE Select); coding-DNA position 830, A replaced by T.
Protein change: p.Gln277Leu; replaces glutamine 277 with leucine.
Molecular consequence: missense variant.
Genome position (GRCh38, 1-based): chrX:107,647,731, A>T. VCF-style: chrX-107647731-A-T. GRCh37 (hg19) VCF-style: chrX-106890961-A-T.
Other names: c.218A>T, p.Gln73Leu (NM_001204402.2); short protein forms Q277L, Q73L.
Identifiers: ClinVar variation 3903058 (VCV003903058.1).

ClinVar aggregate classification (germline): Uncertain significance (1 of 4 stars; one submission).

Submission:

GeneDx
Classification: Uncertain significance. Last evaluated: 2024-12-13. Review status: criteria provided, single submitter. Criteria: GeneDx Variant Classification Process June 2021. Collection method: clinical testing. Allele origin: germline. Affected: yes.
Comment: Not observed at significant frequency in large population cohorts (gnomAD); In silico analysis indicates that this missense variant does not alter protein structure/function; Has not been previously published as pathogenic or benign to our knowledge